The following is an entry in ClinVar:

ClinVar aggregate classification (germline): Uncertain significance (1 of 4 stars; one submission).

Allele frequency attached by ClinVar (database versions not stated): gnomAD exomes below 0.00001.
gnomAD v4.1: 6 of 1,584,990 alleles (0.00038%); highest among the groups gnomAD compares: Non-Finnish European, 0.00052%; no homozygotes.

Submission:

Labcorp Genetics (formerly Invitae), Labcorp
Classification: Uncertain significance. Last evaluated: 2023-11-12. Review status: criteria provided, single submitter. Criteria: Invitae Variant Classification Sherloc (09022015). Collection method: clinical testing. Allele origin: germline.
Comment: This sequence change replaces lysine, which is basic and polar, with asparagine, which is neutral and polar, at codon 101 of the ERBIN protein (p.Lys101Asn). This variant is not present in population databases (gnomAD no frequency). This variant has not been reported in the literature in individuals affected with ERBIN-related conditions. An algorithm developed to predict the effect of missense changes on protein structure and function (PolyPhen-2) suggests that this variant is likely to be disruptive. In summary, the available evidence is currently insufficient to determine the role of this variant in disease. Therefore, it has been classified as a Variant of Uncertain Significance.

NM_001253697.2(ERBIN):c.303G>C (p.Lys101Asn)

Gene: ERBIN (erbb2 interacting protein; plus strand). Cytogenetic location: 5q12.3.
Variant type: single nucleotide variant.
Coding change: c.303G>C on transcript NM_001253697.2 (MANE Select); coding-DNA position 303, G replaced by C.
Protein change: p.Lys101Asn; replaces lysine 101 with asparagine.
Molecular consequence: missense variant.
Genome position (GRCh38, 1-based): chr5:65,994,860, G>C. VCF-style: chr5-65994860-G-C. GRCh37 (hg19) VCF-style: chr5-65290688-G-C.
Other names: c.303G>C, p.Lys101Asn (NM_001006600.3, NM_001253698.2, NM_001253699.2 and 2 more transcripts); short protein forms K101N.
Identifiers: ClinVar variation 2741151 (VCV002741151.3), dbSNP rs201231847, ClinGen allele CA120403422.